The following is an entry in ClinVar:

ClinVar aggregate classification (germline): Uncertain significance (1 of 4 stars; one submission).

Conditions:
Spastic paraplegia. Identifiers: MedGen C0037772, HP:0001258.

Submission:

Labcorp Genetics (formerly Invitae), Labcorp
Classification: Uncertain significance for Spastic paraplegia. Last evaluated: 2022-06-27. Review status: criteria provided, single submitter. Criteria: Invitae Variant Classification Sherloc (09022015). Collection method: clinical testing. Allele origin: germline.
Comment: In summary, the available evidence is currently insufficient to determine the role of this variant in disease. Therefore, it has been classified as a Variant of Uncertain Significance. Algorithms developed to predict the effect of sequence changes on RNA splicing suggest that this variant may disrupt the consensus splice site. Algorithms developed to predict the effect of missense changes on protein structure and function are either unavailable or do not agree on the potential impact of this missense change (SIFT: "Deleterious"; PolyPhen-2: "Probably Damaging"; Align-GVGD: "Class C0"). This variant has not been reported in the literature in individuals affected with AP4E1-related conditions. This variant is not present in population databases (gnomAD no frequency). This sequence change replaces arginine, which is basic and polar, with glycine, which is neutral and non-polar, at codon 304 of the AP4E1 protein (p.Arg304Gly).

NM_007347.5(AP4E1):c.910C>G (p.Arg304Gly)

Gene: AP4E1 (adaptor related protein complex 4 subunit epsilon 1; plus strand). Cytogenetic location: 15q21.2.
Variant type: single nucleotide variant.
Coding change: c.910C>G on transcript NM_007347.5 (MANE Select); coding-DNA position 910, C replaced by G.
Protein change: p.Arg304Gly; replaces arginine 304 with glycine.
Molecular consequence: missense variant.
Genome position (GRCh38, 1-based): chr15:50,934,664, C>G. VCF-style: chr15-50934664-C-G. GRCh37 (hg19) VCF-style: chr15-51226861-C-G.
Other names: c.685C>G, p.Arg229Gly (NM_001252127.2); short protein forms R229G, R304G.
Identifiers: ClinVar variation 1515082 (VCV001515082.6), dbSNP rs569567659, ClinGen allele CA392416462.